The following is an entry in ClinVar:

ClinVar aggregate classification (germline): Likely benign (0 of 4 stars; one submission).

Conditions:
PTPN22-related disorder. Also called: PTPN22-related condition.

Allele frequency attached by ClinVar (database versions not stated): TOPMed 0.00003; gnomAD 0.00016; gnomAD exomes 0.00017; ExAC 0.00049; 1000 Genomes Project 30x 0.00156; 1000 Genomes Project 0.00180.
gnomAD v4.1: 267 of 1,612,838 alleles (0.017%); highest among the groups gnomAD compares: South Asian, 0.28%; 5 homozygotes.

Submission:

PreventionGenetics, part of Exact Sciences
Classification: Likely benign for PTPN22-related condition. Last evaluated: 2020-09-28. Review status: no assertion criteria provided. Collection method: clinical testing. Allele origin: germline.
Comment: This variant is classified as likely benign based on ACMG/AMP sequence variant interpretation guidelines (Richards et al. 2015 PMID: 25741868, with internal and published modifications).

NM_015967.8(PTPN22):c.273+4C>T

Genes: AP4B1-AS1 (AP4B1 antisense RNA 1; plus strand), PTPN22 (protein tyrosine phosphatase non-receptor type 22; minus strand). Cytogenetic location: 1p13.2.
Variant type: single nucleotide variant.
Coding change: c.273+4C>T on transcript NM_015967.8 (MANE Select); 4 bases into the intron after coding-DNA position 273, C replaced by T.
Molecular consequence: intron variant.
Genome position (GRCh38, 1-based): chr1:113,858,998, G>A on the plus strand (C>T on the coding strand, the complement: PTPN22 is on the minus strand). VCF-style: chr1-113858998-G-A. GRCh37 (hg19) VCF-style: chr1-114401620-G-A.
Other names: c.273+4C>T (NM_001308297.2, NM_012411.6, NM_001193431.3).
Identifiers: ClinVar variation 3047936 (VCV003047936.2), dbSNP rs577768293, ClinGen allele CA1015372.
Genomic context (GRCh38, chr1:113,858,998, plus strand): 5'-CAGCCCTCCCCTTTTTTTGGGTATCTAGAGAAATATGGAATGCTTTTATTTTCTTTCACT[G>A]TACCTTAATGAAGTTGGCATTGATGTAGCTGGAATCCTCATCAGAGGTTATCAGGGATAG-3'